The following is an entry in ClinVar:

ClinVar aggregate classification (germline): Uncertain significance. Review status: criteria provided, multiple submitters, no conflicts (2 of 4 stars). 2 submissions from 2 submitters: Uncertain significance (2). Last evaluated 2025-10-01.

Allele frequency attached by ClinVar (database versions not stated): gnomAD exomes 0.00005; gnomAD 0.00006; ExAC 0.00007; TOPMed 0.00010.

Submissions (2):

Labcorp Genetics (formerly Invitae), Labcorp
Classification: Uncertain significance. Last evaluated: 2025-10-01. Review status: criteria provided, single submitter. Criteria: Invitae Variant Classification Sherloc (09022015). Collection method: clinical testing. Allele origin: germline.
Comment: This sequence change replaces arginine, which is basic and polar, with tryptophan, which is neutral and slightly polar, at codon 1012 of the TNS2 protein (p.Arg1012Trp). This variant is present in population databases (rs201047996, gnomAD 0.04%). This variant has not been reported in the literature in individuals affected with TNS2-related conditions. ClinVar contains an entry for this variant (Variation ID: 2750714). An algorithm developed to predict the effect of missense changes on protein structure and function (PolyPhen-2) suggests that this variant is likely to be tolerated. In summary, the available evidence is currently insufficient to determine the role of this variant in disease. Therefore, it has been classified as a Variant of Uncertain Significance.

Women's Health and Genetics/Laboratory Corporation of America, LabCorp
Classification: Uncertain significance. Last evaluated: 2024-05-02. Review status: criteria provided, single submitter. Criteria: LabCorp Variant Classification Summary - May 2015. Collection method: clinical testing. Allele origin: germline.
Comment: Variant summary: TNS2 c.3034C>T (p.Arg1012Trp) results in a non-conservative amino acid change in the encoded protein sequence. Three of five in-silico tools predict a damaging effect of the variant on protein function. The variant allele was found at a frequency of 7.3e-05 in 218056 control chromosomes, predominantly at a frequency of 0.00042 within the Latino subpopulation in the gnomAD database. The available data on variant occurrences in the general population are insufficient to allow any conclusion about variant significance. To our knowledge, no occurrence of c.3034C>T in individuals affected with TNS2-Related Disorders and no experimental evidence demonstrating its impact on protein function have been reported. ClinVar contains an entry for this variant (Variation ID: 2750714). Based on the evidence outlined above, the variant was classified as uncertain significance.

NM_170754.4(TNS2):c.3004C>T (p.Arg1002Trp)

Gene: TNS2 (tensin 2; plus strand). Cytogenetic location: 12q13.13.
Variant type: single nucleotide variant.
Coding change: c.3004C>T on transcript NM_170754.4 (MANE Select); coding-DNA position 3004, C replaced by T.
Protein change: p.Arg1002Trp; replaces arginine 1002 with tryptophan.
Molecular consequence: missense variant.
Genome position (GRCh38, 1-based): chr12:53,060,910, C>T. VCF-style: chr12-53060910-C-T. GRCh37 (hg19) VCF-style: chr12-53454694-C-T.
Other names: c.3004C>T, p.Arg1002Trp (NM_001416202.1); c.2962C>T, p.Arg988Trp (NM_001416203.1); c.3031C>T, p.Arg1011Trp (NM_001416204.1); c.2935C>T, p.Arg979Trp (NM_015319.3); c.2632C>T, p.Arg878Trp (NM_198316.2); c.3034C>T (NM_015319.2); short protein forms R1011W, R878W, R979W, R1002W, R988W.
Identifiers: ClinVar variation 2750714 (VCV002750714.4), dbSNP rs201047996, ClinGen allele CA6592746.